The following is an entry in ClinVar:

ClinVar aggregate classification (germline): Likely benign. Review status: criteria provided, multiple submitters, no conflicts (2 of 4 stars). 2 submissions from 2 submitters: Likely benign (2). Last evaluated 2026-06-15.

Conditions:
RP1L1-related disorder. Also called: RP1L1-related condition.

gnomAD v4.1: 154 of 1,613,918 alleles (0.0095%); highest among the groups gnomAD compares: African/African-American, 0.068%; no homozygotes.

Submissions (2):

PreventionGenetics, part of Exact Sciences
Classification: Likely benign for RP1L1-related condition. Last evaluated: 2026-06-15. Review status: criteria provided, single submitter. Criteria: ACMG Guidelines, 2015. Collection method: clinical testing. Allele origin: germline.
Comment: This variant is classified as likely benign based on ACMG/AMP sequence variant interpretation guidelines (Richards et al. 2015 PMID: 25741868, with internal and published modifications).

Blueprint Genetics
Classification: Likely benign. Last evaluated: 2023-09-01. Review status: criteria provided, single submitter. Criteria: ACMG Guidelines, 2015. Collection method: clinical testing. Allele origin: germline.

NM_178857.6(RP1L1):c.5496C>T (p.Ala1832=)

Gene: RP1L1 (RP1 like 1). Cytogenetic location: 8p23.1.
Variant type: single nucleotide variant.
Coding change: c.5496C>T on transcript NM_178857.6 (MANE Select); coding-DNA position 5496, C replaced by T.
Protein change: p.Ala1832=; no amino-acid change (alanine 1832 retained).
Molecular consequence: synonymous variant.
Genome position (GRCh38, 1-based): chr8:10,608,602, G>A on the plus strand (C>T on the coding strand, the complement: RP1L1 is on the minus strand). VCF-style: chr8-10608602-G-A. GRCh37 (hg19) VCF-style: chr8-10466112-G-A.
Other names: c.5496C>T (NM_178857.5).
Identifiers: ClinVar variation 4898964 (VCV004898964.2).